The following is an entry in ClinVar:

NM_016579.4(CD320):c.769G>A (p.Glu257Lys)

Gene: CD320 (CD320 molecule; minus strand). Cytogenetic location: 19p13.2.
Variant type: single nucleotide variant.
Coding change: c.769G>A on transcript NM_016579.4 (MANE Select); coding-DNA position 769, G replaced by A.
Protein change: p.Glu257Lys; replaces glutamic acid 257 with lysine.
Molecular consequence: missense variant.
Genome position (GRCh38, 1-based): chr19:8,302,543, C>T on the plus strand (G>A on the coding strand, the complement: CD320 is on the minus strand). VCF-style: chr19-8302543-C-T. GRCh37 (hg19) VCF-style: chr19-8367427-C-T.
Other names: p.Glu257Lys; c.643G>A, p.Glu215Lys (NM_001165895.2); short protein forms E257K, E215K.
Identifiers: ClinVar variation 382056 (VCV000382056.18), dbSNP rs2232786, ClinGen allele CA9154613.

ClinVar aggregate classification (germline): Benign/Likely benign. Review status: criteria provided, multiple submitters, no conflicts (2 of 4 stars). 6 submissions from 6 submitters: Benign (4); Likely benign (2). Last evaluated 2025-12-21.

Conditions:
Methylmalonic acidemia due to transcobalamin receptor defect (MATR). Also called: METHYLMALONIC ACIDURIA, TRANSIENT, DUE TO TRANSCOBALAMIN RECEPTOR DEFECT; METHYLMALONIC ACIDEMIA, TCblR TYPE. Identifiers: Orphanet 280183, MedGen C4749905, MONDO:0013341, OMIM 613646.

Allele frequency attached by ClinVar (database versions not stated): gnomAD exomes 0.00141 and 0.00323; ExAC 0.00362; 1000 Genomes Project 0.01138; 1000 Genomes Project 30x 0.01202; gnomAD 0.01208 and 0.01308; ESP Exome Variant Server 0.01230; TOPMed 0.01406.

Submissions (6):

Labcorp Genetics (formerly Invitae), Labcorp
Classification: Benign for Methylmalonic acidemia due to transcobalamin receptor defect. Last evaluated: 2025-12-21. Review status: criteria provided, single submitter. Criteria: Invitae Variant Classification Sherloc (09022015). Collection method: clinical testing. Allele origin: germline.

Mayo Clinic Laboratories, Mayo Clinic
Classification: Benign. Last evaluated: 2023-11-22. Review status: criteria provided, single submitter. Criteria: ACMG Guidelines, 2015. Collection method: clinical testing. Allele origin: germline. Observed: 2 variant alleles.
Comment: BA1, BP4

ARUP Laboratories, Molecular Genetics and Genomics, ARUP Laboratories
Classification: Benign for Methylmalonic acidemia due to transcobalamin receptor defect. Last evaluated: 2023-09-22. Review status: criteria provided, single submitter. Criteria: ARUP Molecular Germline Variant Investigation Process 2024. Collection method: clinical testing. Allele origin: germline.

GeneDx
Classification: Benign. Last evaluated: 2021-01-20. Review status: criteria provided, single submitter. Criteria: GeneDx Variant Classification Process June 2021. Collection method: clinical testing. Allele origin: germline. Affected: yes.

Center for Pediatric Genomic Medicine, Children's Mercy Hospital and Clinics
Classification: Likely benign. Last evaluated: 2017-02-22. Review status: criteria provided, single submitter. Criteria: ACMG Guidelines, 2015. Collection method: clinical testing. Allele origin: germline.

Breakthrough Genomics
Classification: Likely benign. Review status: criteria provided, single submitter. Criteria: ACMG Guidelines, 2015. Collection method: not provided. Allele origin: germline. Inheritance: Autosomal recessive inheritance. Affected: yes.